The following is an entry in ClinVar:

ClinVar aggregate classification (germline): Conflicting classifications of pathogenicity. Review status: criteria provided, conflicting classifications (1 of 4 stars). 4 submissions from 4 submitters: Uncertain significance (3); Likely benign (1). Last evaluated 2023-03-23.

Conditions:
Hereditary breast ovarian cancer syndrome. Also called: Hereditary breast and ovarian cancer; Hereditary breast and/or ovarian cancer syndrome; BRCA1- and BRCA2-Associated Hereditary Breast and Ovarian Cancer; Hereditary breast and ovarian cancer syndrome; Hereditary breast and ovarian cancer syndrome (HBOC); Breast and ovarian cancer. Identifiers: Orphanet 145, MedGen C0677776, MeSH D061325, MONDO:0003582. Disease mechanism: loss of function.
Hereditary cancer-predisposing syndrome. Also called: Tumor predisposition; Hereditary Cancer Syndrome; Hereditary neoplastic syndrome; Neoplastic Syndromes, Hereditary. Identifiers: Orphanet 140162, MedGen C0027672, MeSH D009386, MONDO:0015356.

Submissions (4):

University of Washington Department of Laboratory Medicine, University of Washington
Classification: Likely benign for Hereditary cancer-predisposing syndrome. Last evaluated: 2023-03-23. Review status: criteria provided, single submitter. Criteria: Dines et al. (Genet Med. 2020). Collection method: curation. Allele origin: germline.
Comment: Missense variant in a coldspot region where missense variants are very unlikely to be pathogenic (PMID:31911673).

BRCA1 coldspot (exon 11 using historical exon numbering). Reclassification based on statistical prior probability

Labcorp Genetics (formerly Invitae), Labcorp
Classification: Uncertain significance for Hereditary breast ovarian cancer syndrome. Last evaluated: 2021-08-26. Review status: criteria provided, single submitter. Criteria: Invitae Variant Classification Sherloc (09022015). Collection method: clinical testing. Allele origin: germline.
Comment: This sequence change replaces asparagine with histidine at codon 1265 of the BRCA1 protein (p.Asn1265His). The asparagine residue is moderately conserved and there is a small physicochemical difference between asparagine and histidine. This variant is not present in population databases (ExAC no frequency). This variant has not been reported in the literature in individuals affected with BRCA1-related conditions. Algorithms developed to predict the effect of missense changes on protein structure and function are either unavailable or do not agree on the potential impact of this missense change (SIFT: "Tolerated"; PolyPhen-2: "Possibly Damaging"; Align-GVGD: "Class C0"). In summary, the available evidence is currently insufficient to determine the role of this variant in disease. Therefore, it has been classified as a Variant of Uncertain Significance.

Ambry Genetics
Classification: Uncertain significance for Hereditary cancer-predisposing syndrome. Last evaluated: 2019-12-20. Review status: criteria provided, single submitter. Criteria: Ambry Variant Classification Scheme 2023. Collection method: clinical testing. Allele origin: germline.
Comment: The p.N1265H variant (also known as c.3793A>C), located in coding exon 9 of the BRCA1 gene, results from an A to C substitution at nucleotide position 3793. The asparagine at codon 1265 is replaced by histidine, an amino acid with similar properties. This amino acid position is not well conserved in available vertebrate species. In addition, the in silico prediction for this alteration is inconclusive. Since supporting evidence is limited at this time, the clinical significance of this alteration remains unclear.

Color Diagnostics, LLC DBA Color Health
Classification: Uncertain significance for Hereditary cancer-predisposing syndrome. Last evaluated: 2019-06-16. Review status: criteria provided, single submitter. Criteria: ACMG Guidelines, 2015. Collection method: clinical testing. Allele origin: germline.

NM_007294.4(BRCA1):c.3793A>C (p.Asn1265His)

Genes: BRCA1 (BRCA1 DNA repair associated; minus strand), LOC126862571 (BRD4-independent group 4 enhancer GRCh37_chr17:41243136-41244335; plus strand). Cytogenetic location: 17q21.31.
Variant type: single nucleotide variant.
Coding change: c.3793A>C on transcript NM_007294.4 (MANE Select); coding-DNA position 3793, A replaced by C.
Protein change: p.Asn1265His; replaces asparagine 1265 with histidine.
Molecular consequence: missense variant. On other transcripts: intron variant (135).
Genome position (GRCh38, 1-based): chr17:43,091,738, T>G on the plus strand (A>C on the coding strand, the complement: BRCA1 is on the minus strand). VCF-style: chr17-43091738-T-G. GRCh37 (hg19) VCF-style: chr17-41243755-T-G.
Other names: c.3652A>C, p.Asn1218His (NM_001407737.1, NM_001407739.1, NM_001407738.1 and 29 more transcripts); c.665-706A>C (NM_001408427.1, NM_001408436.1, NM_001408444.1 and 12 more transcripts); c.575-706A>C (NM_001408493.1, NM_001408490.1, NM_001408491.1); c.524-706A>C (NM_001408496.1, NM_001408498.1, NM_001408501.1 and 3 more transcripts); c.647-706A>C (NM_001408460.1, NM_001408454.1, NM_001408458.1 and 11 more transcripts); c.707-706A>C (NM_001408413.1, NM_001408416.1); c.587-706A>C (NM_001408474.1, NM_001408476.1); c.710-706A>C (NM_001408409.1, NM_001408412.1, NM_001408414.1 and 2 more transcripts); and 41 more; short protein forms N1265H, N1218H, N1138H, N1238H, N1262H, N969H, N1097H, N1177H.
Identifiers: ClinVar variation 409368 (VCV000409368.22), dbSNP rs1060502364, ClinGen allele CA10594385.
Genomic context (GRCh38, chr17:43,091,738, plus strand): 5'-GGTGATGTTCCTGAGATGCCTTTGCCAATATTACCTGGTTACTGCAGTCATTTAAGCTAT[T>G]CTTCAATGATAATAAATTCTCCTCTGTGTTCTTAGACAGACACTCGGTAGCAACGGTGCT-3'
Protein context (NP_009225.1, residues 1255-1275): NTEENLLSLK[Asn1265His]SLNDCSNQVI